The following is an entry in ClinVar:

NM_002206.3(ITGA7):c.2183C>A (p.Ala728Asp)

Genes: ITGA7 (integrin subunit alpha 7; minus strand), LOC126861535 (CDK7 strongly-dependent group 2 enhancer GRCh37_chr12:56087579-56088778; plus strand). Cytogenetic location: 12q13.2.
Variant type: single nucleotide variant.
Coding change: c.2183C>A on transcript NM_002206.3 (MANE Select); coding-DNA position 2183, C replaced by A.
Protein change: p.Ala728Asp; replaces alanine 728 with aspartic acid.
Molecular consequence: missense variant.
Genome position (GRCh38, 1-based): chr12:55,694,791, G>T on the plus strand (C>A on the coding strand, the complement: ITGA7 is on the minus strand). VCF-style: chr12-55694791-G-T. GRCh37 (hg19) VCF-style: chr12-56088575-G-T.
Other names: c.2195C>A, p.Ala732Asp (NM_001144996.2); c.1904C>A, p.Ala635Asp (NM_001144997.2); c.1856C>A, p.Ala619Asp (NM_001367993.1); c.839C>A, p.Ala280Asp (NM_001367994.1); c.2165C>A, p.Ala722Asp (NM_001374465.1); c.2315C>A, p.Ala772Asp (NM_001410977.1); c.2177C>A, p.Ala726Asp (NM_001414029.1); c.2108C>A, p.Ala703Asp (NM_001414030.1); and 4 more; short protein forms A280D, A619D, A635D, A722D, A728D, A732D, A772D, A726D.
Identifiers: ClinVar variation 1055159 (VCV001055159.9), dbSNP rs750267153, ClinGen allele CA385183701.

ClinVar aggregate classification (germline): Uncertain significance (1 of 4 stars; one submission).

Conditions:
Congenital muscular dystrophy due to integrin alpha-7 deficiency. Also called: MYOPATHY, CONGENITAL, DUE TO INTEGRIN ALPHA-7 DEFICIENCY; Muscular dystrophy, congenital, due to ITGA7 deficiency; Congenital muscular dystrophy with integrin alpha-7 deficiency. Identifiers: Orphanet 34520, MedGen C2750786, MONDO:0013177, OMIM 613204.

Submission:

Labcorp Genetics (formerly Invitae), Labcorp
Classification: Uncertain significance for Congenital muscular dystrophy due to integrin alpha-7 deficiency. Last evaluated: 2020-07-16. Review status: criteria provided, single submitter. Criteria: Invitae Variant Classification Sherloc (09022015). Collection method: clinical testing. Allele origin: germline.
Comment: This sequence change replaces alanine with aspartic acid at codon 728 of the ITGA7 protein (p.Ala728Asp). The alanine residue is weakly conserved and there is a moderate physicochemical difference between alanine and aspartic acid. This variant is not present in population databases (ExAC no frequency). This variant has not been reported in the literature in individuals with ITGA7-related conditions. Algorithms developed to predict the effect of missense changes on protein structure and function are either unavailable or do not agree on the potential impact of this missense change (SIFT: "Tolerated"; PolyPhen-2: "Possibly Damaging"; Align-GVGD: "Class C0"). In summary, the available evidence is currently insufficient to determine the role of this variant in disease. Therefore, it has been classified as a Variant of Uncertain Significance.